The following is an entry in ClinVar:

ClinVar aggregate classification (germline): Benign. Review status: criteria provided, multiple submitters, no conflicts (2 of 4 stars). 6 submissions from 6 submitters: Benign (6). Last evaluated 2026-01-27.

Conditions:
Glycogen storage disease due to muscle beta-enolase deficiency (GSD13). Also called: ENOLASE 3 DEFICIENCY; ENOLASE-BETA DEFICIENCY; GSD XIII; Glycogen Storage Disease Type XIII. Identifiers: Orphanet 99849, MedGen C2752027, MONDO:0013046, OMIM 612932.

Allele frequency attached by ClinVar (database versions not stated): gnomAD exomes 0.00151 and 0.00401; ExAC 0.00465; 1000 Genomes Project 0.01418; gnomAD 0.01512 and 0.01622; ESP Exome Variant Server 0.01569; 1000 Genomes Project 30x 0.01640; TOPMed 0.01752.
gnomAD v4.1: 4,642 of 1,614,224 alleles (0.29%); highest among the groups gnomAD compares: African/African-American, 5.2%; 102 homozygotes.

Submissions (6):

Labcorp Genetics (formerly Invitae), Labcorp
Classification: Benign for Glycogen storage disease due to muscle beta-enolase deficiency. Last evaluated: 2026-01-27. Review status: criteria provided, single submitter. Criteria: Invitae Variant Classification Sherloc (09022015). Collection method: clinical testing. Allele origin: germline.

ARUP Laboratories, Molecular Genetics and Genomics, ARUP Laboratories
Classification: Benign for Glycogen storage disease due to muscle beta-enolase deficiency. Last evaluated: 2023-11-29. Review status: criteria provided, single submitter. Criteria: ARUP Molecular Germline Variant Investigation Process 2024. Collection method: clinical testing. Allele origin: germline.

Mayo Clinic Laboratories, Mayo Clinic
Classification: Benign. Last evaluated: 2019-04-15. Review status: criteria provided, single submitter. Criteria: ACMG Guidelines, 2015. Collection method: clinical testing. Allele origin: germline. Observed: 13 variant alleles.

Illumina Laboratory Services, Illumina
Classification: Benign for Glycogen storage disease due to muscle beta-enolase deficiency. Last evaluated: 2018-01-12. Review status: criteria provided, single submitter. Criteria: ICSL Variant Classification Criteria 13 December 2019. Collection method: clinical testing. Allele origin: germline.
Comment: This variant was observed in the ICSL laboratory as part of a predisposition screen in an ostensibly healthy population. It had not been previously curated by ICSL or reported in the Human Gene Mutation Database (HGMD: prior to June 1st, 2018), and was therefore a candidate for classification through an automated scoring system. Utilizing variant allele frequency, disease prevalence and penetrance estimates, and inheritance mode, an automated score was calculated to assess if this variant is too frequent to cause the disease. Based on the score and internal cut-off values, a variant classified as benign is not then subjected to further curation. The score for this variant resulted in a classification of benign for this disease.

GeneDx
Classification: Benign. Last evaluated: 2016-03-21. Review status: criteria provided, single submitter. Criteria: GeneDx Variant Classification (06012015). Collection method: clinical testing. Allele origin: germline. Affected: yes.
Comment: This variant is considered likely benign or benign based on one or more of the following criteria: it is a conservative change, it occurs at a poorly conserved position in the protein, it is predicted to be benign by multiple in silico algorithms, and/or has population frequency not consistent with disease.

Breakthrough Genomics
Classification: Benign. Review status: criteria provided, single submitter. Criteria: ACMG Guidelines, 2015. Collection method: not provided. Allele origin: germline. Inheritance: Autosomal recessive inheritance. Affected: yes.

NM_053013.4(ENO3):c.1235+3A>G

Gene: ENO3 (enolase 3; plus strand). Cytogenetic location: 17p13.2.
Variant type: single nucleotide variant.
Coding change: c.1235+3A>G on transcript NM_053013.4 (MANE Select); 3 bases into the intron after coding-DNA position 1235, A replaced by G.
Molecular consequence: intron variant.
Genome position (GRCh38, 1-based): chr17:4,956,892, A>G. VCF-style: chr17-4956892-A-G. GRCh37 (hg19) VCF-style: chr17-4860187-A-G.
Other names: p.?; c.1235+3A>G (NM_001976.5); c.1106+3A>G (NM_001193503.2).
Identifiers: ClinVar variation 324152 (VCV000324152.18), dbSNP rs73973669, ClinGen allele CA8316611.